The following is an entry in ClinVar:

ClinVar aggregate classification (germline): Uncertain significance (1 of 4 stars; one submission).

gnomAD v4.1: 4 of 1,613,424 alleles (0.00025%); highest among the groups gnomAD compares: East Asian, 0.0067%; no homozygotes.

Submission:

Ambry Genetics
Classification: Uncertain significance. Last evaluated: 2026-01-24. Review status: criteria provided, single submitter. Criteria: Ambry Variant Classification Scheme 2023. Collection method: clinical testing. Allele origin: germline.
Comment: The p.R53G variant (also known as c.157C>G), located in coding exon 2 of the PKP4 gene, results from a C to G substitution at nucleotide position 157. The arginine at codon 53 is replaced by glycine, an amino acid with dissimilar properties. This amino acid position is conserved. In addition, this alteration is predicted to be deleterious by in silico analysis. Based on the available evidence, the clinical significance of this variant remains unclear.

NM_003628.6(PKP4):c.157C>G (p.Arg53Gly)

Gene: PKP4 (plakophilin 4; plus strand). Cytogenetic location: 2q24.1.
Variant type: single nucleotide variant.
Coding change: c.157C>G on transcript NM_003628.6 (MANE Select); coding-DNA position 157, C replaced by G.
Protein change: p.Arg53Gly; replaces arginine 53 with glycine.
Molecular consequence: missense variant. On other transcripts: 5 prime UTR variant (1).
Genome position (GRCh38, 1-based): chr2:158,577,295, C>G. VCF-style: chr2-158577295-C-G. GRCh37 (hg19) VCF-style: chr2-159433807-C-G.
Other names: c.157C>G, p.Arg53Gly (NM_001377224.1, NM_001377225.1, NM_001377226.1 and 9 more transcripts); c.-793C>G (NM_001304970.3); short protein forms R53G.
Identifiers: ClinVar variation 3307147 (VCV003307147.2).